The following is an entry in ClinVar:

NM_001110556.2(FLNA):c.3074G>A (p.Gly1025Glu)

Gene: FLNA (filamin A; minus strand). Cytogenetic location: Xq28.
Variant type: single nucleotide variant.
Coding change: c.3074G>A on transcript NM_001110556.2 (MANE Select); coding-DNA position 3074, G replaced by A.
Protein change: p.Gly1025Glu; replaces glycine 1025 with glutamic acid.
Molecular consequence: missense variant.
Genome position (GRCh38, 1-based): chrX:154,361,441, C>T on the plus strand (G>A on the coding strand, the complement: FLNA is on the minus strand). VCF-style: chrX-154361441-C-T. GRCh37 (hg19) VCF-style: chrX-153589809-C-T.
Other names: c.3074G>A, p.Gly1025Glu (NM_001456.4); short protein forms G1025E.
Identifiers: ClinVar variation 1504230 (VCV001504230.8), dbSNP rs2148113514, ClinGen allele CA415230535.

ClinVar aggregate classification (germline): Uncertain significance (1 of 4 stars; one submission).

Conditions:
Oto-palato-digital syndrome, type II (OPD2). Also called: FACIOPALATOOSSEOUS SYNDROME; OPD II SYNDROME; Otopalatodigital Syndrome, Type II; Otopalatodigital Syndrome Type 2 (FLNA-OPD2). Identifiers: Orphanet 669, Orphanet 90652, MedGen C1844696, MONDO:0010571, OMIM 304120.
Heterotopia, periventricular, X-linked dominant (PVNH1). Also called: PERIVENTRICULAR NODULAR HETEROTOPIA 4; HETEROTOPIA, PERIVENTRICULAR, 1; PERIVENTRICULAR NODULAR HETEROTOPIA 1; X-linked periventricular heterotopia. Identifiers: Orphanet 2149, Orphanet 82004, MedGen C1848213, MONDO:0010233, OMIM 300049.
Melnick-Needles syndrome (MNS). Also called: MELNICK-NEEDLES OSTEODYSPLASTY; OSTEODYSPLASTY OF MELNICK AND NEEDLES; Melnick-Needles Syndrome (FLNA-MNS). Identifiers: Orphanet 2484, MedGen C0025237, MONDO:0010650, OMIM 309350.
Frontometaphyseal dysplasia (FMD1). Identifiers: Orphanet 1826, MedGen C0265293, MONDO:0015942.

gnomAD v4.1: 1 of 1,211,398 alleles (0.000083%); highest among the groups gnomAD compares: Non-Finnish European, 0.00011%; no homozygotes.

Submission:

Labcorp Genetics (formerly Invitae), Labcorp
Classification: Uncertain significance for Oto-palato-digital syndrome, type II; Heterotopia, periventricular, X-linked dominant; Frontometaphyseal dysplasia; Melnick-Needles syndrome. Last evaluated: 2023-03-26. Review status: criteria provided, single submitter. Criteria: Invitae Variant Classification Sherloc (09022015). Collection method: clinical testing. Allele origin: germline.
Comment: In summary, the available evidence is currently insufficient to determine the role of this variant in disease. Therefore, it has been classified as a Variant of Uncertain Significance. Advanced modeling of protein sequence and biophysical properties (such as structural, functional, and spatial information, amino acid conservation, physicochemical variation, residue mobility, and thermodynamic stability) performed at Invitae indicates that this missense variant is not expected to disrupt FLNA protein function. ClinVar contains an entry for this variant (Variation ID: 1504230). This variant has not been reported in the literature in individuals affected with FLNA-related conditions. This variant is not present in population databases (gnomAD no frequency). This sequence change replaces glycine, which is neutral and non-polar, with glutamic acid, which is acidic and polar, at codon 1025 of the FLNA protein (p.Gly1025Glu).